The following is an entry in ClinVar:

ClinVar aggregate classification (germline): Likely pathogenic (1 of 4 stars; one submission).

Conditions:
Epidermolysis bullosa dystrophica. Also called: Dystrophic epidermolysis bullosa, Hallopeau-Siemens type (formerly); Dystrophic epidermolysis bullosa. Identifiers: Orphanet 303, MedGen C0079294, MONDO:0006543.

Submission:

Natera, Inc.
Classification: Likely pathogenic for Dystrophic epidermolysis bullosa. Last evaluated: 2024-11-01. Review status: criteria provided, single submitter. Criteria: Natera Variant Classification Schema (03/2026). Collection method: clinical testing. Allele origin: germline.
Comment: The c.3976-2A>G variant in COL7A1 is a canonical splice acceptor site variant predicted to affect pre-mRNA splicing, which may result in an abnormal transcript and altered protein product. This variant is expected to result in nonsense mediated decay, truncation, or a dysfunctional protein product. This variant is rare in the general population with a frequency below the threshold expected for the associated phenotype(s). Given the available evidence, this variant is classified as Likely Pathogenic.

NM_000094.4(COL7A1):c.3976-2A>G

Gene: COL7A1 (collagen type VII alpha 1 chain; minus strand). Cytogenetic location: 3p21.31.
Variant type: single nucleotide variant.
Coding change: c.3976-2A>G on transcript NM_000094.4 (MANE Select); the canonical splice acceptor site of the intron before coding-DNA position 3976, A replaced by G.
Molecular consequence: splice acceptor variant.
Genome position (GRCh38, 1-based): chr3:48,584,947, T>C on the plus strand (A>G on the coding strand, the complement: COL7A1 is on the minus strand). VCF-style: chr3-48584947-T-C. GRCh37 (hg19) VCF-style: chr3-48622380-T-C.
Identifiers: ClinVar variation 4817371 (VCV004817371.1).